The following is an entry in ClinVar:

NM_006567.5(FARS2):c.1218G>A (p.Lys406=)

Gene: FARS2 (phenylalanyl-tRNA synthetase 2, mitochondrial; plus strand). Cytogenetic location: 6p25.1.
Variant type: single nucleotide variant.
Coding change: c.1218G>A on transcript NM_006567.5 (MANE Select); coding-DNA position 1218, G replaced by A.
Protein change: p.Lys406=; no amino-acid change (lysine 406 retained).
Molecular consequence: synonymous variant.
Genome position (GRCh38, 1-based): chr6:5,771,291, G>A. VCF-style: chr6-5771291-G-A. GRCh37 (hg19) VCF-style: chr6-5771524-G-A.
Other names: c.1218G>A, p.Lys406= (NM_001318872.2, NM_001374875.1, NM_001374876.1 and 4 more transcripts); c.1086G>A, p.Lys362= (NM_001375258.1); c.522G>A, p.Lys174= (NM_001375259.1, NM_001375260.1).
Identifiers: ClinVar variation 1940956 (VCV001940956.4), dbSNP rs2533574959, ClinGen allele CA448637924.

ClinVar aggregate classification (germline): Uncertain significance (1 of 4 stars; one submission).

Conditions:
Combined oxidative phosphorylation defect type 14. Also called: Combined oxidative phosphorylation deficiency 14. Identifiers: Orphanet 319519, MedGen C4755312, MONDO:0013986, OMIM 614946.

Submission:

Labcorp Genetics (formerly Invitae), Labcorp
Classification: Uncertain significance for Combined oxidative phosphorylation defect type 14. Last evaluated: 2024-10-16. Review status: criteria provided, single submitter. Criteria: Invitae Variant Classification Sherloc (09022015). Collection method: clinical testing. Allele origin: germline.
Comment: This sequence change affects codon 406 of the FARS2 mRNA. It is a 'silent' change, meaning that it does not change the encoded amino acid sequence of the FARS2 protein. It affects a nucleotide within the consensus splice site. This variant is not present in population databases (gnomAD no frequency). This variant has not been reported in the literature in individuals affected with FARS2-related conditions. ClinVar contains an entry for this variant (Variation ID: 1940956). Algorithms developed to predict the effect of sequence changes on RNA splicing suggest that this variant is not likely to affect RNA splicing. In summary, the available evidence is currently insufficient to determine the role of this variant in disease. Therefore, it has been classified as a Variant of Uncertain Significance.